The following is an entry in ClinVar:

NM_000548.5(TSC2):c.-3A>G

Gene: TSC2 (TSC complex subunit 2; plus strand). Cytogenetic location: 16p13.3.
Variant type: single nucleotide variant.
Coding change: c.-3A>G on transcript NM_000548.5 (MANE Select); 3 bases upstream of the start codon, A replaced by G.
Molecular consequence: 5 prime UTR variant. On other transcripts: missense variant (1), non-coding transcript variant (5), intron variant (6).
Genome position (GRCh38, 1-based): chr16:2,048,613, A>G. VCF-style: chr16-2048613-A-G. GRCh37 (hg19) VCF-style: chr16-2098614-A-G.
Other names: c.-3A>G (NM_001077183.3, NM_001114382.3, NM_001318827.2 and 13 more transcripts); c.-229A>G (NM_001318831.2, NM_001406682.1, NM_001406684.1 and 2 more transcripts); c.31A>G, p.Thr11Ala (NM_001318832.2); c.-819A>G (NM_001406680.1, NM_001406683.1, NM_001406687.1); c.-448A>G (NM_001406681.1); c.-1434A>G (NM_001406689.1, NM_001406690.1, NM_001406691.1 and 2 more transcripts); c.-1740A>G (NM_001406693.1); c.-1315A>G (NM_001406694.1, NM_001406695.1); and 4 more; short protein forms T11A.
Identifiers: ClinVar variation 4866078 (VCV004866078.1).
Genomic context (GRCh38, chr16:2,048,613, plus strand): 5'-CTCAGATGTCCCCATTCCTGTTTCGTTTGCACAGAGGGGTTTTCTGGTGCGTCCTGGTCC[A>G]CCATGGCCAAACCAACAAGCAAAGATTCAGGCTTGAAGGAGAAGTTTAAGATTCTGTTGG-3'

ClinVar aggregate classification (germline): Uncertain significance (1 of 4 stars; one submission).

Conditions:
Hereditary cancer-predisposing syndrome. Also called: Neoplastic Syndromes, Hereditary; Tumor predisposition; Hereditary Cancer Syndrome; Hereditary neoplastic syndrome. Identifiers: Orphanet 140162, MedGen C0027672, MeSH D009386, MONDO:0015356.

Submission:

Ambry Genetics
Classification: Uncertain significance for Hereditary cancer-predisposing syndrome. Last evaluated: 2026-03-31. Review status: criteria provided, single submitter. Criteria: Ambry Variant Classification Scheme 2023. Collection method: clinical testing. Allele origin: germline.
Comment: The c.-3A>G variant is located in the 5' untranslated region (5&rsquo; UTR) of the TSC2 gene. This variant results from an A to G substitution 3 bases upstream from the first translated codon. This nucleotide position is well conserved in available vertebrate species. Based on the available evidence, the clinical significance of this variant remains unclear.